The following is an entry in ClinVar:

ClinVar aggregate classification (germline): Pathogenic (1 of 4 stars; one submission).

Conditions:
Inborn genetic diseases. Identifiers: MedGen C0950123, MeSH D030342.

Submission:

Ambry Genetics
Classification: Pathogenic for Inborn genetic diseases. Last evaluated: 2019-01-14. Review status: criteria provided, single submitter. Criteria: Ambry Variant Classification Scheme 2023. Collection method: clinical testing. Allele origin: germline.
Comment: The c.3217dupC pathogenic mutation, located in coding exon 16 of the SCN1A gene, results from a duplication of C at nucleotide position 3217, causing a translational frameshift with a predicted alternate stop codon (p.L1073Pfs*2). This alteration is expected to result in loss of function by premature protein truncation or nonsense-mediated mRNA decay. As such, this alteration is interpreted as a disease-causing mutation.

NM_001165963.4(SCN1A):c.3217dup (p.Leu1073fs)

Genes: SCN1A (sodium voltage-gated channel alpha subunit 1; minus strand), LOC102724058 (uncharacterized LOC102724058; plus strand). Cytogenetic location: 2q24.3.
Variant type: Duplication.
Coding change: c.3217dup on transcript NM_001165963.4 (MANE Select); coding-DNA position 3217, one base duplicated (C; older notation c.3217dupC).
Protein change: p.Leu1073fs; shifts the reading frame from leucine 1073.
Molecular consequence: frameshift variant. On other transcripts: non-coding transcript variant (2).
Genome position (GRCh38, 1-based): chr2:166,036,260, G duplicated on the plus strand (C on the coding strand, the reverse complement: SCN1A is on the minus strand). VCF-style (leftmost placement, unchanged base first): chr2-166036259-A-AG. GRCh37 (hg19) VCF-style: chr2-166892769-A-AG.
Other names: c.3133dup, p.Leu1045fs (NM_001165964.3, NM_001353957.2, NM_001353958.2); c.3217dup, p.Leu1073fs (NM_001202435.3, NM_001353948.2); c.3184dup, p.Leu1062fs (NM_001353949.2, NM_001353950.2, NM_001353951.2 and 2 more transcripts); c.3181dup, p.Leu1061fs (NM_001353954.2, NM_001353955.2); c.3130dup, p.Leu1044fs (NM_001353960.2); c.775dup, p.Leu259fs (NM_001353961.2); short protein forms L1061fs, L1073fs, L1062fs, L1044fs, L259fs, L1045fs.
Identifiers: ClinVar variation 1729004 (VCV001729004.2), dbSNP rs2468077663, ClinGen allele CA2580064317.